The following is an entry in ClinVar:

NM_001267550.2(TTN):c.83232T>A (p.Tyr27744Ter)

Genes: TTN-AS1 (TTN antisense RNA 1; plus strand), TTN (titin; minus strand). Cytogenetic location: 2q31.2.
Variant type: single nucleotide variant.
Coding change: c.83232T>A on transcript NM_001267550.2 (MANE Select); coding-DNA position 83232, T replaced by A.
Protein change: p.Tyr27744Ter; replaces tyrosine 27744 with a stop codon.
Molecular consequence: nonsense.
Genome position (GRCh38, 1-based): chr2:178,562,900, A>T on the plus strand (T>A on the coding strand, the complement: TTN is on the minus strand). VCF-style: chr2-178562900-A-T. GRCh37 (hg19) VCF-style: chr2-179427627-A-T.
Other names: c.78309T>A, p.Tyr26103Ter (NM_001256850.1); c.56037T>A, p.Tyr18679Ter (NM_003319.4); c.75528T>A, p.Tyr25176Ter (NM_133378.4); c.56412T>A, p.Tyr18804Ter (NM_133432.3); c.56613T>A, p.Tyr18871Ter (NM_133437.4); short protein forms Y18679*, Y18804*, Y18871*, Y25176*, Y26103*, Y27744*.
Identifiers: ClinVar variation 2416467 (VCV002416467.8), dbSNP rs1024522369, ClinGen allele CA349568753.
Genomic context (GRCh38, chr2:178,562,900, plus strand): 5'-AAGAACTCTGACGTTAACAAAAGCTGTTTTGGAGCCACTATTATTTTCTAATGTCAGATT[A>T]TACCGACCACTGTCAAATCTGGTAACATTATCAATCACCAACATTGTAAATGAGCTGGTC-3'

ClinVar aggregate classification (germline): Likely pathogenic (1 of 4 stars; one submission).

Conditions:
Autosomal recessive limb-girdle muscular dystrophy type 2J (LGMDR10). Also called: Limb-girdle muscular dystrophy, type 2J; MUSCULAR DYSTROPHY, LIMB-GIRDLE, AUTOSOMAL RECESSIVE 10. Identifiers: Orphanet 140922, MedGen C1837342, MONDO:0012127, OMIM 608807.
Dilated cardiomyopathy 1G (CMD1G). Identifiers: Orphanet 154, MedGen C1858763, MONDO:0011400, OMIM 604145.

Submission:

Labcorp Genetics (formerly Invitae), Labcorp
Classification: Likely pathogenic for Dilated cardiomyopathy 1G; Autosomal recessive limb-girdle muscular dystrophy type 2J. Last evaluated: 2024-09-05. Review status: criteria provided, single submitter. Criteria: Invitae Variant Classification Sherloc (09022015). Collection method: clinical testing. Allele origin: germline.
Comment: This sequence change creates a premature translational stop signal (p.Tyr27744*) in the TTN gene. While this is not anticipated to result in nonsense mediated decay, it is expected to create a truncated TTN protein. This variant is not present in population databases (gnomAD no frequency). This variant has not been reported in the literature in individuals affected with TTN-related conditions. ClinVar contains an entry for this variant (Variation ID: 2416467). This variant is located in the A band of TTN (PMID: 25589632). Truncating variants in this region are significantly overrepresented in patients affected with dilated cardiomyopathy (PMID: 25589632). Truncating variants in this region have also been reported in individuals affected with autosomal recessive centronuclear myopathy (PMID: 23975875). In summary, the currently available evidence indicates that the variant is pathogenic, but additional data are needed to prove that conclusively. Therefore, this variant has been classified as Likely Pathogenic.

Literature cited by the submitters: PubMed 25589632; PubMed 23975875.